The following is an entry in ClinVar:

NM_004380.3(CREBBP):c.6956A>T (p.His2319Leu)

Gene: CREBBP (CREB binding lysine acetyltransferase; minus strand). Cytogenetic location: 16p13.3.
Variant type: single nucleotide variant.
Coding change: c.6956A>T on transcript NM_004380.3 (MANE Select); coding-DNA position 6956, A replaced by T.
Protein change: p.His2319Leu; replaces histidine 2319 with leucine.
Molecular consequence: missense variant.
Genome position (GRCh38, 1-based): chr16:3,728,091, T>A on the plus strand (A>T on the coding strand, the complement: CREBBP is on the minus strand). VCF-style: chr16-3728091-T-A. GRCh37 (hg19) VCF-style: chr16-3778092-T-A.
Other names: c.6842A>T, p.His2281Leu (NM_001079846.1); c.6956A>T (NM_004380.2); short protein forms H2319L, H2281L.
Identifiers: ClinVar variation 133938 (VCV000133938.7), dbSNP rs587778215, ClinGen allele CA158195.

ClinVar aggregate classification (germline): Conflicting classifications of pathogenicity. Review status: criteria provided, conflicting classifications (1 of 4 stars). 4 submissions from 4 submitters: Uncertain significance (2); Likely benign (1). 1 of the submissions does not count toward it. Last evaluated 2025-07-12.

Conditions:
CREBBP-related disorder. Also called: CREBBP-related disorders; CREBBP-related condition.
Rubinstein-Taybi syndrome (RSTS). Identifiers: Orphanet 783, MedGen C0035934, MONDO:0019188.
Menke-Hennekam syndrome 1 (MKHK1). Identifiers: MedGen C5193034, MONDO:0020763, OMIM 618332.
Rubinstein-Taybi syndrome due to CREBBP mutations (RSTS1). Also called: RUBINSTEIN-TAYBI SYNDROME 1, INCOMPLETE; BROAD THUMBS AND GREAT TOES, CHARACTERISTIC FACIES, AND IMPAIRED INTELLECTUAL DEVELOPMENT; Rubinstein-Taybi syndrome 1; BROAD THUMB-HALLUX SYNDROME; CREBBP-Related Rubinstein-Taybi Syndrome; RUBINSTEIN SYNDROME. Identifiers: Orphanet 353277, Orphanet 783, MedGen C4551859, MONDO:0008393, OMIM 180849.

Allele frequency attached by ClinVar (database versions not stated): TOPMed below 0.00001; ExAC 0.00001; gnomAD 0.00001; gnomAD exomes 0.00001.
gnomAD v4.1: 11 of 1,614,004 alleles (0.00068%); highest among the groups gnomAD compares: Non-Finnish European, 0.00085%; no homozygotes.

Submissions (4):

Labcorp Genetics (formerly Invitae), Labcorp
Classification: Likely benign for Rubinstein-Taybi syndrome. Last evaluated: 2025-07-12. Review status: criteria provided, single submitter. Criteria: Invitae Variant Classification Sherloc (09022015). Collection method: clinical testing. Allele origin: germline.

Fulgent Genetics
Classification: Uncertain significance for Rubinstein-Taybi syndrome due to CREBBP mutations; Menke-Hennekam syndrome 1. Last evaluated: 2024-01-31. Review status: criteria provided, single submitter. Criteria: ACMG Guidelines, 2015. Collection method: clinical testing. Allele origin: germline.

PreventionGenetics, part of Exact Sciences
Classification: Uncertain significance for CREBBP-related condition. Last evaluated: 2023-08-11. Review status: criteria provided, single submitter. Criteria: ACMG Guidelines, 2015. Collection method: clinical testing. Allele origin: germline.
Comment: The CREBBP c.6956A>T variant is predicted to result in the amino acid substitution p.His2319Leu. To our knowledge, this variant has not been reported in the literature. This variant is reported in 0.0046% of alleles in individuals of European (Finnish) descent in gnomAD. At this time, the clinical significance of this variant is uncertain due to the absence of conclusive functional and genetic evidence.

ITMI
No classification provided. Condition: AllHighlyPenetrant. Last evaluated: 2013-09-19. Review status: no classification provided. Collection method: reference population. Allele origin: germline. Not counted in ClinVar's aggregate classification.
Comment: Please see associated publication for description of ethnicities

Literature cited by the submitters: PubMed 24728327 (cited by ITMI).